The following is an entry in ClinVar:

NM_001374828.1(ARID1B):c.6410G>A (p.Trp2137Ter)

Gene: ARID1B (AT-rich interaction domain 1B; plus strand). Cytogenetic location: 6q25.3.
Variant type: single nucleotide variant.
Coding change: c.6410G>A on transcript NM_001374828.1 (MANE Select); coding-DNA position 6410, G replaced by A.
Protein change: p.Trp2137Ter; replaces tryptophan 2137 with a stop codon.
Molecular consequence: nonsense.
Genome position (GRCh38, 1-based): chr6:157,207,182, G>A. VCF-style: chr6-157207182-G-A. GRCh37 (hg19) VCF-style: chr6-157528316-G-A.
Other names: c.6041G>A (NM_020732.3); c.3911G>A, p.Trp1304Ter (NM_001363725.2); c.6290G>A, p.Trp2097Ter (NM_001371656.1, NM_001374820.1); c.6251G>A, p.Trp2084Ter (NM_017519.3); short protein forms W1304*, W2084*, W2097*, W2137*.
Identifiers: ClinVar variation 996787 (VCV000996787.6), dbSNP rs1554237850, ClinGen allele CA366248218.

ClinVar aggregate classification (germline): Pathogenic. Review status: criteria provided, multiple submitters, no conflicts (2 of 4 stars). 4 submissions from 3 submitters: Pathogenic (4). Last evaluated 2021-07-15.

Conditions:
ARID1B-related BAFopathy.
Coffin-Siris syndrome 1 (CSS1). Also called: Mental retardation, autosomal dominant 12; ARID1B-Related Coffin-Siris Syndrome. Identifiers: Orphanet 1465, MedGen C3281201, MONDO:0007617, OMIM 135900. Disease mechanism: gain of function.

Submissions (4):

Genome-Nilou Lab
Classification: Pathogenic for Coffin-Siris syndrome 1. Last evaluated: 2021-07-15. Review status: criteria provided, single submitter. Criteria: ACMG Guidelines, 2015. Collection method: clinical testing. Allele origin: germline. Affected: no.

Baylor Genetics
Classification: Pathogenic for ARID1B-related BAFopathy. Last evaluated: 2021-06-10. Review status: criteria provided, single submitter. Criteria: ACMG Guidelines, 2015. Collection method: clinical testing. Allele origin: unknown. Affected: yes.

Institute of Medical Genetics and Applied Genomics, University Hospital Tübingen
Classification: Pathogenic. Last evaluated: 2021-02-01. Review status: criteria provided, single submitter. Criteria: ACMG Guidelines, 2015. Collection method: clinical testing. Allele origin: germline. Inheritance: Autosomal dominant inheritance. Affected: yes.

Baylor Genetics
Classification: Pathogenic for Coffin-Siris syndrome 1. Last evaluated: 2019-09-02. Review status: criteria provided, single submitter. Criteria: ACMG Guidelines, 2015. Collection method: clinical testing. Allele origin: unknown. Affected: yes.
Comment: This variant was determined to be pathogenic according to ACMG Guidelines, 2015 [PMID:25741868].